The following is an entry in ClinVar:

NM_001034116.2(EIF2B4):c.833A>G (p.Lys278Arg)

Genes: EIF2B4 (eukaryotic translation initiation factor 2B subunit delta; minus strand), GTF3C2-AS2 (GTF3C2 antisense RNA 2; plus strand). Cytogenetic location: 2p23.3.
Variant type: single nucleotide variant.
Coding change: c.833A>G on transcript NM_001034116.2 (MANE Select); coding-DNA position 833, A replaced by G.
Protein change: p.Lys278Arg; replaces lysine 278 with arginine.
Molecular consequence: missense variant. On other transcripts: non-coding transcript variant (8).
Genome position (GRCh38, 1-based): chr2:27,367,509, T>C on the plus strand (A>G on the coding strand, the complement: EIF2B4 is on the minus strand). VCF-style: chr2-27367509-T-C. GRCh37 (hg19) VCF-style: chr2-27590376-T-C.
Other names: c.896A>G, p.Lys299Arg (NM_001318965.2); c.788A>G, p.Lys263Arg (NM_001318966.2); c.740A>G, p.Lys247Arg (NM_001318967.2); c.248A>G, p.Lys83Arg (NM_001318968.2); c.215A>G, p.Lys72Arg (NM_001318969.2); c.830A>G, p.Lys277Arg (NM_015636.4); c.893A>G, p.Lys298Arg (NM_172195.4); short protein forms K247R, K263R, K277R, K278R, K298R, K299R, K72R, K83R.
Identifiers: ClinVar variation 4085902 (VCV004085902.8).
Genomic context (GRCh38, chr2:27,367,509, plus strand): 5'-CTCATCACCTCCTCTTCCCGCTTGGAACTGCCCACACTGGTGATTTCCTTGTTAAGGAAC[T>C]TGATGGCGTTGTGCATGCTCGCTGACAGGGGACGGCACTGAGTCAGGAAGCTATAATACA-3'
Protein context (NP_001029288.1, residues 268-288): PLSASMHNAI[Lys278Arg]FLNKEITSVG

ClinVar aggregate classification (germline): Uncertain significance (1 of 4 stars; one submission).

Submission:

CeGaT Center for Human Genetics Tuebingen
Classification: Uncertain significance. Last evaluated: 2025-08-01. Review status: criteria provided, single submitter. Criteria: CeGaT Center For Human Genetics Tuebingen Variant Classification Criteria Version 2. Collection method: clinical testing. Allele origin: germline. Affected: yes. Observed: 1 variant allele.
Comment: EIF2B4: PM2